The following is an entry in ClinVar:

ClinVar aggregate classification (germline): Uncertain significance. Review status: criteria provided, multiple submitters, no conflicts (2 of 4 stars). 3 submissions from 3 submitters: Uncertain significance (2). 1 of the submissions does not count toward it. Last evaluated 2022-09-27.

Conditions:
CPLANE1-related disorder. Also called: CPLANE1-related condition.
Joubert syndrome 17 (JBTS17). Identifiers: Orphanet 475, MedGen C3553264, MONDO:0013824, OMIM 614615.
Orofaciodigital syndrome type 6 (OFD6). Also called: Oral-facial-digital syndrome type 6; Central polydactyly cleft lip/palate or lingual lump and psychomotor retardation; Y-shaped central metacarpal and cerebellar defect; Joubert syndrome with orofacialdigital anomalies; OFDS VI; POLYDACTYLY, CLEFT LIP/PALATE OR LINGUAL LUMP, AND PSYCHOMOTOR RETARDATION. Identifiers: Orphanet 2754, MedGen C2745997, MONDO:0010176, OMIM 277170.

Allele frequency attached by ClinVar (database versions not stated): gnomAD 0.00001; gnomAD exomes 0.00001 and 0.00003; ExAC 0.00002; TOPMed 0.00006.

Submissions (3):

Labcorp Genetics (formerly Invitae), Labcorp
Classification: Uncertain significance. Last evaluated: 2022-09-27. Review status: criteria provided, single submitter. Criteria: Invitae Variant Classification Sherloc (09022015). Collection method: clinical testing. Allele origin: germline.
Comment: This sequence change replaces isoleucine, which is neutral and non-polar, with valine, which is neutral and non-polar, at codon 2597 of the CPLANE1 protein (p.Ile2597Val). This variant is present in population databases (rs774074728, gnomAD 0.006%). This variant has not been reported in the literature in individuals affected with CPLANE1-related conditions. ClinVar contains an entry for this variant (Variation ID: 1366170). Advanced modeling of protein sequence and biophysical properties (such as structural, functional, and spatial information, amino acid conservation, physicochemical variation, residue mobility, and thermodynamic stability) performed at Invitae indicates that this missense variant is not expected to disrupt CPLANE1 protein function. Algorithms developed to predict the effect of sequence changes on RNA splicing suggest that this variant may create or strengthen a splice site. In summary, the available evidence is currently insufficient to determine the role of this variant in disease. Therefore, it has been classified as a Variant of Uncertain Significance.

Fulgent Genetics
Classification: Uncertain significance for Orofaciodigital syndrome type 6; Joubert syndrome 17. Last evaluated: 2021-12-29. Review status: criteria provided, single submitter. Criteria: ACMG Guidelines, 2015. Collection method: clinical testing. Allele origin: unknown.

PreventionGenetics, part of Exact Sciences
Classification: Uncertain significance for CPLANE1-related condition. Last evaluated: 2024-06-27. Review status: no assertion criteria provided. Collection method: clinical testing. Allele origin: germline. Not counted in ClinVar's aggregate classification.
Comment: The CPLANE1 c.7789A>G variant is predicted to result in the amino acid substitution p.Ile2597Val. To our knowledge, this variant has not been reported in the literature. This variant is reported in 0.0058% of alleles in individuals of Latino descent in gnomAD. At this time, the clinical significance of this variant is uncertain due to the absence of conclusive functional and genetic evidence.

NM_001384732.1(CPLANE1):c.7789A>G (p.Ile2597Val)

Gene: CPLANE1 (ciliogenesis and planar polarity effector complex subunit 1; minus strand). Cytogenetic location: 5p13.2.
Variant type: single nucleotide variant.
Coding change: c.7789A>G on transcript NM_001384732.1 (MANE Select); coding-DNA position 7789, A replaced by G.
Protein change: p.Ile2597Val; replaces isoleucine 2597 with valine.
Molecular consequence: missense variant.
Genome position (GRCh38, 1-based): chr5:37,158,247, T>C on the plus strand (A>G on the coding strand, the complement: CPLANE1 is on the minus strand). VCF-style: chr5-37158247-T-C. GRCh37 (hg19) VCF-style: chr5-37158349-T-C.
Other names: c.7789A>G, p.Ile2597Val (NM_023073.4); short protein forms I2597V.
Identifiers: ClinVar variation 1366170 (VCV001366170.5), dbSNP rs774074728, ClinGen allele CA3237951.